The following is an entry in ClinVar:

NM_017617.5(NOTCH1):c.2208-3C>T

Gene: NOTCH1 (notch receptor 1; minus strand). Cytogenetic location: 9q34.3.
Variant type: single nucleotide variant.
Coding change: c.2208-3C>T on transcript NM_017617.5 (MANE Select); 3 bases into the intron before coding-DNA position 2208, C replaced by T.
Molecular consequence: intron variant.
Genome position (GRCh38, 1-based): chr9:136,513,540, G>A on the plus strand (C>T on the coding strand, the complement: NOTCH1 is on the minus strand). VCF-style: chr9-136513540-G-A. GRCh37 (hg19) VCF-style: chr9-139407992-G-A.
Identifiers: ClinVar variation 3672833 (VCV003672833.2).

ClinVar aggregate classification (germline): Uncertain significance (1 of 4 stars; one submission).

Conditions:
Adams-Oliver syndrome 5 (AOS5). Identifiers: Orphanet 974, MedGen C4014970, MONDO:0014459, OMIM 616028.

gnomAD v4.1: 6 of 1,612,778 alleles (0.00037%); highest among the groups gnomAD compares: Non-Finnish European, 0.00051%; no homozygotes.

Submission:

Labcorp Genetics (formerly Invitae), Labcorp
Classification: Uncertain significance for Adams-Oliver syndrome 5. Last evaluated: 2024-09-04. Review status: criteria provided, single submitter. Criteria: Invitae Variant Classification Sherloc (09022015). Collection method: clinical testing. Allele origin: germline.
Comment: This sequence change falls in intron 13 of the NOTCH1 gene. It does not directly change the encoded amino acid sequence of the NOTCH1 protein. It affects a nucleotide within the consensus splice site. This variant is not present in population databases (gnomAD no frequency). This variant has not been reported in the literature in individuals affected with NOTCH1-related conditions. Variants that disrupt the consensus splice site are a relatively common cause of aberrant splicing (PMID: 17576681, 9536098). Algorithms developed to predict the effect of sequence changes on RNA splicing suggest that this variant is not likely to affect RNA splicing. In summary, the available evidence is currently insufficient to determine the role of this variant in disease. Therefore, it has been classified as a Variant of Uncertain Significance.

Literature cited by the submitters: PubMed 17576681; PubMed 9536098.